The following is an entry in ClinVar:

ClinVar aggregate classification (germline): Uncertain significance. Review status: criteria provided, multiple submitters, no conflicts (2 of 4 stars). 4 submissions from 4 submitters: Uncertain significance (4). Last evaluated 2024-10-16.

Conditions:
Donnai-Barrow syndrome. Also called: FACIOOCULOACOUSTICORENAL SYNDROME; DBS/FOAR SYNDROME. Identifiers: Orphanet 2143, MedGen C1857277, MONDO:0009104, OMIM 222448.

Allele frequency attached by ClinVar (database versions not stated): ExAC 0.00002; gnomAD 0.00002; gnomAD exomes 0.00004 and 0.00005; TOPMed 0.00005.
gnomAD v4.1: 54 of 1,614,092 alleles (0.0033%); highest among the groups gnomAD compares: Admixed American, 0.018%; no homozygotes.

Submissions (4):

Labcorp Genetics (formerly Invitae), Labcorp
Classification: Uncertain significance. Last evaluated: 2024-10-16. Review status: criteria provided, single submitter. Criteria: Invitae Variant Classification Sherloc (09022015). Collection method: clinical testing. Allele origin: germline.
Comment: This sequence change replaces arginine, which is basic and polar, with histidine, which is basic and polar, at codon 3736 of the LRP2 protein (p.Arg3736His). This variant is present in population databases (rs752156045, gnomAD 0.02%). This variant has not been reported in the literature in individuals affected with LRP2-related conditions. ClinVar contains an entry for this variant (Variation ID: 1438087). Invitae Evidence Modeling of protein sequence and biophysical properties (such as structural, functional, and spatial information, amino acid conservation, physicochemical variation, residue mobility, and thermodynamic stability) indicates that this missense variant is expected to disrupt LRP2 protein function with a positive predictive value of 95%. In summary, the available evidence is currently insufficient to determine the role of this variant in disease. Therefore, it has been classified as a Variant of Uncertain Significance.

Blueprint Genetics
Classification: Uncertain significance. Last evaluated: 2022-08-24. Review status: criteria provided, single submitter. Criteria: ACMG Guidelines, 2015. Collection method: clinical testing. Allele origin: germline.

Baylor Genetics
Classification: Uncertain significance for Donnai-Barrow syndrome. Last evaluated: 2021-03-12. Review status: criteria provided, single submitter. Criteria: ACMG Guidelines, 2015. Collection method: clinical testing. Allele origin: unknown.

Juno Genomics, Hangzhou Juno Genomics, Inc
Classification: Uncertain significance for Donnai-Barrow syndrome. Review status: criteria provided, single submitter. Criteria: ACMG Guidelines, 2015. Collection method: clinical testing. Allele origin: germline.
Comment: Absent from controls (or at extremely low frequency if recessive) in Genome Aggregation Database.;Missense variant in a gene that has a low rate of benign missense variation.;Multiple lines of computational evidence support a deleterious effect on the gene or gene product.

NM_004525.3(LRP2):c.11207G>A (p.Arg3736His)

Gene: LRP2 (LDL receptor related protein 2; minus strand). Cytogenetic location: 2q31.1.
Variant type: single nucleotide variant.
Coding change: c.11207G>A on transcript NM_004525.3 (MANE Select); coding-DNA position 11207, G replaced by A.
Protein change: p.Arg3736His; replaces arginine 3736 with histidine.
Molecular consequence: missense variant.
Genome position (GRCh38, 1-based): chr2:169,172,071, C>T on the plus strand (G>A on the coding strand, the complement: LRP2 is on the minus strand). VCF-style: chr2-169172071-C-T. GRCh37 (hg19) VCF-style: chr2-170028581-C-T.
Other names: short protein forms R3736H.
Identifiers: ClinVar variation 1438087 (VCV001438087.9), dbSNP rs752156045, ClinGen allele CA1953148.